The following is an entry in ClinVar:

NM_001715.3(BLK):c.893G>A (p.Arg298Gln)

Genes: BLK (BLK proto-oncogene, Src family tyrosine kinase), BLK-AS1 (BLK antisense RNA 1). Cytogenetic location: 8p23.1.
Variant type: single nucleotide variant.
Coding change: c.893G>A on transcript NM_001715.3 (MANE Select); coding-DNA position 893, G replaced by A.
Protein change: p.Arg298Gln; replaces arginine 298 with glutamine.
Molecular consequence: missense variant.
Genome position (GRCh38, 1-based): chr8:11,556,778, G>A. VCF-style: chr8-11556778-G-A. GRCh37 (hg19) VCF-style: chr8-11414287-G-A.
Other names: c.680G>A, p.Arg227Gln (NM_001330465.2); short protein forms R227Q, R298Q.
Identifiers: ClinVar variation 2994375 (VCV002994375.8), dbSNP rs769774070, ClinGen allele CA4630143.
Genomic context (GRCh38, chr8:11,556,778, plus strand): 5'-CAGAAGCCTTTCTGGGTGAGGCCAACGTGATGAAGGCTCTGCAGCACGAGCGGCTGGTCC[G>A]ACTCTACGCAGTGGTCACCAAGGAGCCCATCTACATTGTCACCGAGTACATGGCCAGAGG-3'
Protein context (NP_001706.2, residues 288-308): MKALQHERLV[Arg298Gln]LYAVVTKEPI

ClinVar aggregate classification (germline): Uncertain significance. Review status: criteria provided, multiple submitters, no conflicts (2 of 4 stars). 3 submissions from 3 submitters: Uncertain significance (3). Last evaluated 2026-02-01.

Conditions:
Maturity-onset diabetes of the young type 11. Identifiers: Orphanet 552, MedGen C3150618, MONDO:0013242, OMIM 613375.

Allele frequency attached by ClinVar (database versions not stated): ExAC 0.00001; gnomAD 0.00002; TOPMed 0.00003.
gnomAD v4.1: 15 of 1,614,078 alleles (0.00093%); highest among the groups gnomAD compares: Middle Eastern, 0.033%; no homozygotes.

Submissions (3):

CeGaT Center for Human Genetics Tuebingen
Classification: Uncertain significance. Last evaluated: 2026-02-01. Review status: criteria provided, single submitter. Criteria: CeGaT Center For Human Genetics Tuebingen Variant Classification Criteria Version 2. Collection method: clinical testing. Allele origin: germline. Affected: yes. Observed: 1 variant allele.
Comment: BLK: PM2, BP4

Genomic Medicine Center of Excellence, King Faisal Specialist Hospital and Research Centre
Classification: Uncertain significance for Maturity-onset diabetes of the young type 11. Last evaluated: 2025-09-10. Review status: criteria provided, single submitter. Criteria: ACMG Guidelines, 2015. Collection method: clinical testing. Allele origin: germline.

Labcorp Genetics (formerly Invitae), Labcorp
Classification: Uncertain significance. Last evaluated: 2023-06-22. Review status: criteria provided, single submitter. Criteria: Invitae Variant Classification Sherloc (09022015). Collection method: clinical testing. Allele origin: germline.
Comment: This sequence change replaces arginine, which is basic and polar, with glutamine, which is neutral and polar, at codon 298 of the BLK protein (p.Arg298Gln). This variant is present in population databases (rs769774070, gnomAD 0.02%). This variant has not been reported in the literature in individuals affected with BLK-related conditions. An algorithm developed to predict the effect of missense changes on protein structure and function (PolyPhen-2) suggests that this variant is likely to be tolerated. In summary, the available evidence is currently insufficient to determine the role of this variant in disease. Therefore, it has been classified as a Variant of Uncertain Significance.